The following is an entry in ClinVar:

ClinVar aggregate classification (germline): Uncertain significance (1 of 4 stars; one submission).

Allele frequency attached by ClinVar (database versions not stated): gnomAD 0.00001.
gnomAD v4.1: 24 of 1,613,076 alleles (0.0015%); highest among the groups gnomAD compares: East Asian, 0.0022%; no homozygotes.

Submission:

Labcorp Genetics (formerly Invitae), Labcorp
Classification: Uncertain significance. Last evaluated: 2022-03-26. Review status: criteria provided, single submitter. Criteria: Invitae Variant Classification Sherloc (09022015). Collection method: clinical testing. Allele origin: germline.
Comment: Algorithms developed to predict the effect of missense changes on protein structure and function are either unavailable or do not agree on the potential impact of this missense change (SIFT: "Not Available"; PolyPhen-2: "Benign"; Align-GVGD: "Not Available"). In summary, the available evidence is currently insufficient to determine the role of this variant in disease. Therefore, it has been classified as a Variant of Uncertain Significance. This variant has not been reported in the literature in individuals affected with POLR1A-related conditions. This variant is present in population databases (rs756055919, gnomAD 0.004%). This sequence change replaces glutamine, which is neutral and polar, with lysine, which is basic and polar, at codon 163 of the POLR1A protein (p.Gln163Lys).

NM_015425.6(POLR1A):c.487C>A (p.Gln163Lys)

Gene: POLR1A (RNA polymerase I subunit A; minus strand). Cytogenetic location: 2p11.2.
Variant type: single nucleotide variant.
Coding change: c.487C>A on transcript NM_015425.6 (MANE Select); coding-DNA position 487, C replaced by A.
Protein change: p.Gln163Lys; replaces glutamine 163 with lysine.
Molecular consequence: missense variant.
Genome position (GRCh38, 1-based): chr2:86,089,875, G>T on the plus strand (C>A on the coding strand, the complement: POLR1A is on the minus strand). VCF-style: chr2-86089875-G-T. GRCh37 (hg19) VCF-style: chr2-86316998-G-T.
Other names: short protein forms Q163K.
Identifiers: ClinVar variation 1917147 (VCV001917147.5), dbSNP rs756055919, ClinGen allele CA1746650.
Genomic context (GRCh38, chr2:86,089,875, plus strand): 5'-AACTCACATGTGCGCCCTGGGACCCCAGGAGGTTGTTCTGCACAATTTCAGTTGTGTATT[G>T]TTCTAATTCCTCCCGAATTTCAGAGGCAGAGGGATCGGGATTTTCTTCCAGAAACTGGAA-3'
Protein context (NP_056240.2, residues 153-173): SASEIREELE[Gln163Lys]YTTEIVQNNL